The following is an entry in ClinVar:

ClinVar aggregate classification (germline): Uncertain significance (1 of 4 stars; one submission).

gnomAD v4.1: 1 of 1,551,708 alleles (0.000064%); highest among the groups gnomAD compares: South Asian, 0.0012%; no homozygotes.

Submission:

Labcorp Genetics (formerly Invitae), Labcorp
Classification: Uncertain significance. Last evaluated: 2022-04-02. Review status: criteria provided, single submitter. Criteria: Invitae Variant Classification Sherloc (09022015). Collection method: clinical testing. Allele origin: germline.
Comment: This sequence change creates a premature translational stop signal (p.Cys35*) in the DTHD1 gene. It is expected to result in an absent or disrupted protein product. However, the current clinical and genetic evidence is not sufficient to establish whether loss-of-function variants in DTHD1 cause disease. This variant is not present in population databases (gnomAD no frequency). This variant has not been reported in the literature in individuals affected with DTHD1-related conditions. In summary, the available evidence is currently insufficient to determine the role of this variant in disease. Therefore, it has been classified as a Variant of Uncertain Significance.

NM_001170700.3(DTHD1):c.975C>A (p.Cys325Ter)

Gene: DTHD1 (death domain containing 1; plus strand). Cytogenetic location: 4p14.
Variant type: single nucleotide variant.
Coding change: c.975C>A on transcript NM_001170700.3 (MANE Select); coding-DNA position 975, C replaced by A.
Protein change: p.Cys325Ter; replaces cysteine 325 with a stop codon.
Molecular consequence: nonsense. On other transcripts: non-coding transcript variant (2).
Genome position (GRCh38, 1-based): chr4:36,290,460, C>A. VCF-style: chr4-36290460-C-A. GRCh37 (hg19) VCF-style: chr4-36292082-C-A.
Other names: c.105C>A, p.Cys35Ter (NM_001136536.5, NM_001378435.1); short protein forms C35*, C325*.
Identifiers: ClinVar variation 2120925 (VCV002120925.1), dbSNP rs530789646, ClinGen allele CA356678755.